The following is an entry in ClinVar:

NC_000014.8:g.(?_94847198)_(94854896_?)del

Gene: SERPINA1 (serpin family A member 1; minus strand). Cytogenetic location: 14q32.13.
Variant type: Deletion.
Identifiers: ClinVar variation 1459806 (VCV001459806.4).

ClinVar aggregate classification (germline): Pathogenic (1 of 4 stars; one submission).

Conditions:
Alpha-1-antitrypsin deficiency (A1ATD). Also called: AAT deficiency; A1AT deficiency; Alpha1-Antitrypsin Deficiency. Identifiers: Orphanet 60, MedGen C0221757, MONDO:0013282, OMIM 613490.

Submission:

Labcorp Genetics (formerly Invitae), Labcorp
Classification: Pathogenic for Alpha-1-antitrypsin deficiency. Last evaluated: 2021-09-14. Review status: criteria provided, single submitter. Criteria: Invitae Variant Classification Sherloc (09022015). Collection method: clinical testing. Allele origin: germline.
Comment: For these reasons, this variant has been classified as Pathogenic. This variant has not been reported in the literature in individuals affected with SERPINA1-related conditions. This variant is a gross deletion of the genomic region encompassing exon(s) 2-3 of the SERPINA1 gene, which includes the initiator codon. This deletion extends beyond the assayed region for this gene and therefore may encompass additional genes. It is expected to result in an absent or disrupted protein product. Loss-of-function variants in SERPINA1 are known to be pathogenic (PMID: 25425243).

Literature cited by the submitters: PubMed 25425243.